The following is an entry in ClinVar:

ClinVar aggregate classification (germline): Uncertain significance (1 of 4 stars; one submission).

Allele frequency attached by ClinVar (database versions not stated): ESP Exome Variant Server 0.00025; gnomAD 0.00026; TOPMed 0.00028; ExAC 0.00049.
gnomAD v4.1: 124 of 1,550,544 alleles (0.008%); highest among the groups gnomAD compares: South Asian, 0.065%; 1 homozygote.

Submission:

Labcorp Genetics (formerly Invitae), Labcorp
Classification: Uncertain significance. Last evaluated: 2022-08-20. Review status: criteria provided, single submitter. Criteria: Invitae Variant Classification Sherloc (09022015). Collection method: clinical testing. Allele origin: germline.
Comment: This sequence change replaces arginine, which is basic and polar, with histidine, which is basic and polar, at codon 1006 of the ADAMTS17 protein (p.Arg1006His). This variant is present in population databases (rs147283866, gnomAD 0.08%). This variant has not been reported in the literature in individuals affected with ADAMTS17-related conditions. Algorithms developed to predict the effect of missense changes on protein structure and function are either unavailable or do not agree on the potential impact of this missense change (SIFT: "Not Available"; PolyPhen-2: "Probably Damaging"; Align-GVGD: "Not Available"). In summary, the available evidence is currently insufficient to determine the role of this variant in disease. Therefore, it has been classified as a Variant of Uncertain Significance.

NM_139057.4(ADAMTS17):c.3017G>A (p.Arg1006His)

Gene: ADAMTS17 (ADAM metallopeptidase with thrombospondin type 1 motif 17; minus strand). Cytogenetic location: 15q26.3.
Variant type: single nucleotide variant.
Coding change: c.3017G>A on transcript NM_139057.4 (MANE Select); coding-DNA position 3017, G replaced by A.
Protein change: p.Arg1006His; replaces arginine 1006 with histidine.
Molecular consequence: missense variant.
Genome position (GRCh38, 1-based): chr15:99,976,155, C>T on the plus strand (G>A on the coding strand, the complement: ADAMTS17 is on the minus strand). VCF-style: chr15-99976155-C-T. GRCh37 (hg19) VCF-style: chr15-100516360-C-T.
Other names: short protein forms R1006H.
Identifiers: ClinVar variation 2171225 (VCV002171225.1), dbSNP rs147283866, ClinGen allele CA7757499.